The following is an entry in ClinVar:

NM_004793.4(LONP1):c.1421G>C (p.Ser474Thr)

Gene: LONP1 (lon peptidase 1, mitochondrial; minus strand). Cytogenetic location: 19p13.3.
Variant type: single nucleotide variant.
Coding change: c.1421G>C on transcript NM_004793.4 (MANE Select); coding-DNA position 1421, G replaced by C.
Protein change: p.Ser474Thr; replaces serine 474 with threonine.
Molecular consequence: missense variant. On other transcripts: non-coding transcript variant (1).
Genome position (GRCh38, 1-based): chr19:5,700,874, C>G on the plus strand (G>C on the coding strand, the complement: LONP1 is on the minus strand). VCF-style: chr19-5700874-C-G. GRCh37 (hg19) VCF-style: chr19-5700885-C-G.
Other names: c.833G>C, p.Ser278Thr (NM_001276480.1); c.1229G>C, p.Ser410Thr (NM_001276479.2); short protein forms S474T, S278T, S410T.
Identifiers: ClinVar variation 2789970 (VCV002789970.3), dbSNP rs982440168, ClinGen allele CA403531500.

ClinVar aggregate classification (germline): Uncertain significance (1 of 4 stars; one submission).

Allele frequency attached by ClinVar (database versions not stated): gnomAD exomes below 0.00001.
gnomAD v4.1: 1 of 1,614,250 alleles (0.000062%); highest among the groups gnomAD compares: East Asian, 0.0022%; no homozygotes.

Submission:

Labcorp Genetics (formerly Invitae), Labcorp
Classification: Uncertain significance. Last evaluated: 2023-10-15. Review status: criteria provided, single submitter. Criteria: Invitae Variant Classification Sherloc (09022015). Collection method: clinical testing. Allele origin: germline.
Comment: This sequence change replaces serine, which is neutral and polar, with threonine, which is neutral and polar, at codon 474 of the LONP1 protein (p.Ser474Thr). This variant is present in population databases (no rsID available, gnomAD 0.006%). This variant has not been reported in the literature in individuals affected with LONP1-related conditions. Advanced modeling of protein sequence and biophysical properties (such as structural, functional, and spatial information, amino acid conservation, physicochemical variation, residue mobility, and thermodynamic stability) performed at Invitae indicates that this missense variant is not expected to disrupt LONP1 protein function. In summary, the available evidence is currently insufficient to determine the role of this variant in disease. Therefore, it has been classified as a Variant of Uncertain Significance.